The following is an entry in ClinVar:

NM_000231.3(SGCG):c.808G>A (p.Gly270Arg)

Gene: SGCG (sarcoglycan gamma; plus strand). Cytogenetic location: 13q12.12.
Variant type: single nucleotide variant.
Coding change: c.808G>A on transcript NM_000231.3 (MANE Select); coding-DNA position 808, G replaced by A.
Protein change: p.Gly270Arg; replaces glycine 270 with arginine.
Molecular consequence: missense variant.
Genome position (GRCh38, 1-based): chr13:23,324,473, G>A. VCF-style: chr13-23324473-G-A. GRCh37 (hg19) VCF-style: chr13-23898612-G-A.
Other names: c.862G>A, p.Gly288Arg (NM_001378244.1); c.808G>A, p.Gly270Arg (NM_001378245.1, NM_001378246.1); short protein forms G288R, G270R.
Identifiers: ClinVar variation 1419586 (VCV001419586.6), dbSNP rs767191084, ClinGen allele CA6909853.
Genomic context (GRCh38, chr13:23,324,473, plus strand): 5'-GGGACGTGGGGTCCCTCTGGCAGCTCACAGAGCCTCTACGAAATCTGTGTGTGTCCAGAT[G>A]GGAAGCTGTACCTGTCTGTGGCCGGTGTGAGCACCACGTGCCAGGAGCACAACCACATCT-3'
Protein context (NP_000222.2, residues 260-280): SLYEICVCPD[Gly270Arg]KLYLSVAGVS

ClinVar aggregate classification (germline): Uncertain significance. Review status: criteria provided, multiple submitters, no conflicts (2 of 4 stars). 2 submissions from 2 submitters: Uncertain significance (2). Last evaluated 2021-09-01.

Conditions:
Autosomal recessive limb-girdle muscular dystrophy type 2C (LGMDR5). Also called: MUSCULAR DYSTROPHY, DUCHENNE-LIKE; MUSCULAR DYSTROPHY, LIMB-GIRDLE, AUTOSOMAL RECESSIVE 5. Identifiers: Orphanet 353, MedGen C0410173, MONDO:0009677, OMIM 253700. Disease mechanism: Affects gamma-sarcoglycan and also disrupts the integrity of the entire sarcoglycan complex..

Allele frequency attached by ClinVar (database versions not stated): TOPMed 0.00001; gnomAD exomes 0.00003 and 0.00004; ExAC 0.00005.
gnomAD v4.1: 19 of 1,613,926 alleles (0.0012%); highest among the groups gnomAD compares: Non-Finnish European, 0.00068%; no homozygotes.

Submissions (2):

Labcorp Genetics (formerly Invitae), Labcorp
Classification: Uncertain significance for Autosomal recessive limb-girdle muscular dystrophy type 2C. Last evaluated: 2021-09-01. Review status: criteria provided, single submitter. Criteria: Invitae Variant Classification Sherloc (09022015). Collection method: clinical testing. Allele origin: germline.
Comment: This sequence change replaces glycine with arginine at codon 270 of the SGCG protein (p.Gly270Arg). The glycine residue is highly conserved and there is a moderate physicochemical difference between glycine and arginine. This variant is present in population databases (rs767191084, ExAC 0.02%). This missense change has been observed in individual(s) with clinical features of limb-girdle muscular dystrophy (Invitae). In at least one individual the data is consistent with the variant being in trans (on the opposite chromosome) from a pathogenic variant. Algorithms developed to predict the effect of missense changes on protein structure and function (SIFT, PolyPhen-2, Align-GVGD) all suggest that this variant is likely to be disruptive. Algorithms developed to predict the effect of sequence changes on RNA splicing suggest that this variant may create or strengthen a splice site. In summary, the available evidence is currently insufficient to determine the role of this variant in disease. Therefore, it has been classified as a Variant of Uncertain Significance.

Blueprint Genetics
Classification: Uncertain significance. Last evaluated: 2020-06-23. Review status: criteria provided, single submitter. Criteria: ACMG Guidelines, 2015. Collection method: clinical testing. Allele origin: germline.